The following is an entry in ClinVar:

ClinVar aggregate classification (germline): Uncertain significance (1 of 4 stars; one submission).

gnomAD v4.1: 1 of 1,606,106 alleles (0.000062%); highest among the groups gnomAD compares: South Asian, 0.0011%; no homozygotes.

Submission:

GeneDx
Classification: Uncertain significance. Last evaluated: 2024-09-09. Review status: criteria provided, single submitter. Criteria: GeneDx Variant Classification Process June 2021. Collection method: clinical testing. Allele origin: germline. Affected: yes.
Comment: Not observed at significant frequency in large population cohorts (gnomAD); In silico analysis indicates that this missense variant does not alter protein structure/function; Has not been previously published as pathogenic or benign to our knowledge

NM_170606.3(KMT2C):c.9397G>A (p.Val3133Ile)

Gene: KMT2C (lysine methyltransferase 2C; minus strand). Cytogenetic location: 7q36.1.
Variant type: single nucleotide variant.
Coding change: c.9397G>A on transcript NM_170606.3 (MANE Select); coding-DNA position 9397, G replaced by A.
Protein change: p.Val3133Ile; replaces valine 3133 with isoleucine.
Molecular consequence: missense variant.
Genome position (GRCh38, 1-based): chr7:152,171,320, C>T on the plus strand (G>A on the coding strand, the complement: KMT2C is on the minus strand). VCF-style: chr7-152171320-C-T. GRCh37 (hg19) VCF-style: chr7-151868405-C-T.
Other names: short protein forms V3133I.
Identifiers: ClinVar variation 3767408 (VCV003767408.1).